The following is an entry in ClinVar:

ClinVar aggregate classification (germline): Uncertain significance (1 of 4 stars; one submission).

Conditions:
Congenital muscular dystrophy due to integrin alpha-7 deficiency. Also called: Congenital muscular dystrophy with integrin alpha-7 deficiency; Muscular dystrophy, congenital, due to ITGA7 deficiency; MYOPATHY, CONGENITAL, DUE TO INTEGRIN ALPHA-7 DEFICIENCY. Identifiers: Orphanet 34520, MedGen C2750786, MONDO:0013177, OMIM 613204.

Allele frequency attached by ClinVar (database versions not stated): gnomAD exomes below 0.00001 and 0.00001; TOPMed 0.00001.
gnomAD v4.1: 14 of 1,613,918 alleles (0.00087%); highest among the groups gnomAD compares: Non-Finnish European, 0.0012%; no homozygotes.

Submission:

Labcorp Genetics (formerly Invitae), Labcorp
Classification: Uncertain significance for Congenital muscular dystrophy due to integrin alpha-7 deficiency. Last evaluated: 2018-04-03. Review status: criteria provided, single submitter. Criteria: Invitae Variant Classification Sherloc (09022015). Collection method: clinical testing. Allele origin: germline.
Comment: In summary, the available evidence is currently insufficient to determine the role of this variant in disease. Therefore, it has been classified as a Variant of Uncertain Significance. Algorithms developed to predict the effect of missense changes on protein structure and function do not agree on the potential impact of this missense change (SIFT: "Deleterious"; PolyPhen-2: "Probably Damaging"; Align-GVGD: "Class C0"). This variant has not been reported in the literature in individuals with ITGA7-related disease. This variant is not present in population databases (ExAC no frequency). This sequence change replaces valine with alanine at codon 56 of the ITGA7 protein (p.Val56Ala). The valine residue is moderately conserved and there is a small physicochemical difference between valine and alanine.

NM_002206.3(ITGA7):c.167T>C (p.Val56Ala)

Gene: ITGA7 (integrin subunit alpha 7; minus strand). Cytogenetic location: 12q13.2.
Variant type: single nucleotide variant.
Coding change: c.167T>C on transcript NM_002206.3 (MANE Select); coding-DNA position 167, T replaced by C.
Protein change: p.Val56Ala; replaces valine 56 with alanine.
Molecular consequence: missense variant. On other transcripts: 5 prime UTR variant (1), intron variant (3).
Genome position (GRCh38, 1-based): chr12:55,707,516, A>G on the plus strand (T>C on the coding strand, the complement: ITGA7 is on the minus strand). VCF-style: chr12-55707516-A-G. GRCh37 (hg19) VCF-style: chr12-56101300-A-G.
Other names: c.167T>C, p.Val56Ala (NM_001144996.2, NM_001374465.1, NM_001410977.1 and 6 more transcripts); c.-1006T>C (NM_001367994.1); c.85+4547T>C (NM_001144997.2); c.-133-4338T>C (NM_001367993.1, NM_001414035.1); short protein forms V56A.
Identifiers: ClinVar variation 573645 (VCV000573645.9), dbSNP rs1268685956, ClinGen allele CA385194090.